The following is an entry in ClinVar:

NM_021224.6(ZNF462):c.6840T>C (p.Arg2280=)

Genes: ZNF462 (zinc finger protein 462; plus strand), LOC340512 (uncharacterized LOC340512; minus strand). Cytogenetic location: 9q31.2.
Variant type: single nucleotide variant.
Coding change: c.6840T>C on transcript NM_021224.6 (MANE Select); coding-DNA position 6840, T replaced by C.
Protein change: p.Arg2280=; no amino-acid change (arginine 2280 retained).
Molecular consequence: synonymous variant.
Genome position (GRCh38, 1-based): chr9:106,984,193, T>C. VCF-style: chr9-106984193-T-C. GRCh37 (hg19) VCF-style: chr9-109746474-T-C.
Other names: c.4245T>C, p.Arg1415= (NM_001347997.2).
Identifiers: ClinVar variation 2659404 (VCV002659404.24), dbSNP rs142378254, ClinGen allele CA5172372.

ClinVar aggregate classification (germline): Likely benign (1 of 4 stars; one submission).

Allele frequency attached by ClinVar (database versions not stated): gnomAD exomes 0.00004; ExAC 0.00026; TOPMed 0.00065; gnomAD 0.00066; ESP Exome Variant Server 0.00069; 1000 Genomes Project 30x 0.00125; 1000 Genomes Project 0.00140.
gnomAD v4.1: 161 of 1,613,698 alleles (0.01%); highest among the groups gnomAD compares: African/African-American, 0.2%; no homozygotes.

Submission:

CeGaT Center for Human Genetics Tuebingen
Classification: Likely benign. Last evaluated: 2023-03-01. Review status: criteria provided, single submitter. Criteria: CeGaT Center For Human Genetics Tuebingen Variant Classification Criteria Version 2. Collection method: clinical testing. Allele origin: germline. Affected: yes. Observed: 1 variant allele.
Comment: ZNF462: BP4, BP7, BS1